The following is an entry in ClinVar:

NM_024685.4(BBS10):c.534T>A (p.Phe178Leu)

Gene: BBS10 (Bardet-Biedl syndrome 10; minus strand). Cytogenetic location: 12q21.2.
Variant type: single nucleotide variant.
Coding change: c.534T>A on transcript NM_024685.4 (MANE Select); coding-DNA position 534, T replaced by A.
Protein change: p.Phe178Leu; replaces phenylalanine 178 with leucine.
Molecular consequence: missense variant.
Genome position (GRCh38, 1-based): chr12:76,347,451, A>T on the plus strand (T>A on the coding strand, the complement: BBS10 is on the minus strand). VCF-style: chr12-76347451-A-T. GRCh37 (hg19) VCF-style: chr12-76741231-A-T.
Other names: short protein forms F178L.
Identifiers: ClinVar variation 5000031 (VCV005000031.1).
Genomic context (GRCh38, chr12:76,347,451, plus strand): 5'-AAAGTAGTCACACATCAACTGTGAAATAAATTTATGATTATTTCTTCCCACTCTTCCACA[A>T]AAGTATGCTTCTAAGAGCAACTCTAAAGAGCTCCTACACAATGTTCTCTCTTTAGCAGAC-3'
Protein context (NP_078961.3, residues 168-188): SSLELLLEAY[Phe178Leu]CGRVGRNNHK

ClinVar aggregate classification (germline): Uncertain significance (1 of 4 stars; one submission).

Conditions:
BBS10-related disorder. Also called: BBS10-related condition.

Submission:

PreventionGenetics, part of Exact Sciences
Classification: Uncertain significance for BBS10-related condition. Last evaluated: 2024-10-08. Review status: criteria provided, single submitter. Criteria: ACMG Guidelines, 2015. Collection method: clinical testing. Allele origin: germline.
Comment: The BBS10 c.534T>A variant is predicted to result in the amino acid substitution p.Phe178Leu. To our knowledge, this variant has not been reported in the literature or in a large population database (gnomAD), indicating this variant is rare. At this time, the clinical significance of this variant is uncertain due to the absence of conclusive functional and genetic evidence.